The following is an entry in ClinVar:

NM_000057.4(BLM):c.3388A>C (p.Ile1130Leu)

Gene: BLM (BLM RecQ like helicase; plus strand). Cytogenetic location: 15q26.1.
Variant type: single nucleotide variant.
Coding change: c.3388A>C on transcript NM_000057.4 (MANE Select); coding-DNA position 3388, A replaced by C.
Protein change: p.Ile1130Leu; replaces isoleucine 1130 with leucine.
Molecular consequence: missense variant. On other transcripts: intron variant (1).
Genome position (GRCh38, 1-based): chr15:90,803,550, A>C. VCF-style: chr15-90803550-A-C. GRCh37 (hg19) VCF-style: chr15-91346780-A-C.
Other names: c.3388A>C, p.Ile1130Leu (NM_001287246.2); c.2263A>C, p.Ile755Leu (NM_001287248.2); c.3358+5213A>C (NM_001287247.2); short protein forms I1130L, I755L.
Identifiers: ClinVar variation 2850418 (VCV002850418.3), dbSNP rs1897213239, ClinGen allele CA393847490.

ClinVar aggregate classification (germline): Uncertain significance (1 of 4 stars; one submission).

Conditions:
Bloom syndrome (BLM). Also called: Bloom-Torre-Machacek syndrome. Identifiers: Orphanet 125, MedGen C0005859, MONDO:0008876, OMIM 210900.

Submission:

Labcorp Genetics (formerly Invitae), Labcorp
Classification: Uncertain significance for Bloom syndrome. Last evaluated: 2023-03-28. Review status: criteria provided, single submitter. Criteria: Invitae Variant Classification Sherloc (09022015). Collection method: clinical testing. Allele origin: germline.
Comment: This variant is not present in population databases (gnomAD no frequency). This sequence change replaces isoleucine, which is neutral and non-polar, with leucine, which is neutral and non-polar, at codon 1130 of the BLM protein (p.Ile1130Leu). This variant has not been reported in the literature in individuals affected with BLM-related conditions. In summary, the available evidence is currently insufficient to determine the role of this variant in disease. Therefore, it has been classified as a Variant of Uncertain Significance. Advanced modeling of protein sequence and biophysical properties (such as structural, functional, and spatial information, amino acid conservation, physicochemical variation, residue mobility, and thermodynamic stability) performed at Invitae indicates that this missense variant is not expected to disrupt BLM protein function.